The following is an entry in ClinVar:

ClinVar aggregate classification (germline): Uncertain significance (1 of 4 stars; one submission).

Conditions:
Hereditary cancer-predisposing syndrome. Also called: Neoplastic Syndromes, Hereditary; Tumor predisposition; Hereditary Cancer Syndrome; Hereditary neoplastic syndrome. Identifiers: Orphanet 140162, MedGen C0027672, MeSH D009386, MONDO:0015356.

Submission:

Ambry Genetics
Classification: Uncertain significance for Hereditary cancer-predisposing syndrome. Last evaluated: 2021-08-27. Review status: criteria provided, single submitter. Criteria: Ambry Variant Classification Scheme 2023. Collection method: clinical testing. Allele origin: germline.
Comment: The p.V1312D variant (also known as c.3935T>A), located in coding exon 9 of the MSH6 gene, results from a T to A substitution at nucleotide position 3935. The valine at codon 1312 is replaced by aspartic acid, an amino acid with highly dissimilar properties. This amino acid position is well conserved in available vertebrate species. In addition, this alteration is predicted to be deleterious by in silico analysis. Since supporting evidence is limited at this time, the clinical significance of this alteration remains unclear.

NM_000179.3(MSH6):c.3935T>A (p.Val1312Asp)

Gene: MSH6 (mutS homolog 6; plus strand). Cytogenetic location: 2p16.3.
Variant type: single nucleotide variant.
Coding change: c.3935T>A on transcript NM_000179.3 (MANE Select); coding-DNA position 3935, T replaced by A.
Protein change: p.Val1312Asp; replaces valine 1312 with aspartic acid.
Molecular consequence: missense variant.
Genome position (GRCh38, 1-based): chr2:47,806,585, T>A. VCF-style: chr2-47806585-T-A. GRCh37 (hg19) VCF-style: chr2-48033724-T-A.
Other names: c.3029T>A, p.Val1010Asp (NM_001281493.2, NM_001281494.2, NM_001406814.1 and 6 more transcripts); c.4031T>A, p.Val1344Asp (NM_001406795.1); c.3935T>A, p.Val1312Asp (NM_001406796.1, NM_001406808.1, NM_001406809.1); c.3638T>A, p.Val1213Asp (NM_001406797.1, NM_001406801.1, NM_001406818.1 and 10 more transcripts); c.3761T>A, p.Val1254Asp (NM_001406798.1); c.3410T>A, p.Val1137Asp (NM_001406799.1, NM_001406806.1, NM_001406807.1); c.3922T>A, p.Leu1308Ile (NM_001406800.1); c.2369T>A, p.Val790Asp (NM_001406817.1); and 8 more; short protein forms V1254D, V1024D, V1213D, V1286D, V1312D, V239D, V261D, V790D.
Identifiers: ClinVar variation 1736295 (VCV001736295.2), dbSNP rs2104562596, ClinGen allele CA346761490.